The following is an entry in ClinVar:

ClinVar aggregate classification (germline): Likely benign. Review status: criteria provided, multiple submitters, no conflicts (2 of 4 stars). 2 submissions from 2 submitters: Likely benign (2). Last evaluated 2025-09-15.

Conditions:
Methylmalonic acidemia with homocystinuria, type cblX (MAHCX). Also called: INTELLECTUAL DEVELOPMENTAL DISORDER, X-LINKED 3. Identifiers: Orphanet 369962, MedGen C0796208, MONDO:0010657, OMIM 309541.

Submissions (2):

Labcorp Genetics (formerly Invitae), Labcorp
Classification: Likely benign for Methylmalonic acidemia with homocystinuria, type cblX. Last evaluated: 2025-09-15. Review status: criteria provided, single submitter. Criteria: Invitae Variant Classification Sherloc (09022015). Collection method: clinical testing. Allele origin: germline.

CeGaT Center for Human Genetics Tuebingen
Classification: Likely benign. Last evaluated: 2022-03-01. Review status: criteria provided, single submitter. Criteria: CeGaT Center For Human Genetics Tuebingen Variant Classification Criteria Version 2. Collection method: clinical testing. Allele origin: germline. Affected: yes. Observed: 1 variant allele.
Comment: HCFC1: PM2:Supporting, BP4, BP7

NM_005334.3(HCFC1):c.3756C>A (p.Pro1252=)

Gene: HCFC1 (host cell factor C1; minus strand). Cytogenetic location: Xq28.
Variant type: single nucleotide variant.
Coding change: c.3756C>A on transcript NM_005334.3 (MANE Select); coding-DNA position 3756, C replaced by A.
Protein change: p.Pro1252=; no amino-acid change (proline 1252 retained).
Molecular consequence: synonymous variant.
Genome position (GRCh38, 1-based): chrX:153,954,643, G>T on the plus strand (C>A on the coding strand, the complement: HCFC1 is on the minus strand). VCF-style: chrX-153954643-G-T. GRCh37 (hg19) VCF-style: chrX-153220094-G-T.
Other names: c.3756C>A, p.Pro1252= (NM_001410705.1).
Identifiers: ClinVar variation 2661769 (VCV002661769.27), dbSNP rs2521545895, ClinGen allele CA519702340.